The following is an entry in ClinVar:

ClinVar aggregate classification (germline): Uncertain significance (0 of 4 stars; one submission).

Submission:

ISCA site 1
Classification: Uncertain significance. Last evaluated: 2011-05-06. Review status: no assertion criteria provided. Collection method: clinical testing. Allele origin: paternal. Affected: yes. Observed: 1 variant allele.
Comment: Copy number variation identified through the course of routine clinical cytogenomic testing in postnatal populations. Clinical assertions have been curated as described in Kaminsky et al. 2011.

Copy number variation identified through the course of routine clinical cytogenomic testing in postnatal populations. Clinical assertions have been curated as described in Kaminsky, et al. 2011 (PubMed 21844811). For additional ClinGen data, please see nstd37.

GRCh38/hg38 15q23(chr15:71216221-71387268)x1

Genes: THSD4 (thrombospondin type 1 domain containing 4; plus strand), LOC125110354 (P300/CBP strongly-dependent group 1 enhancer GRCh37_chr15:71587200-71588399; plus strand). Cytogenetic location: 15q23.
Variant type: copy number loss.
Change: copy number 1 (one copy instead of two) of chr15:71,216,221-71,387,268 (171.0 kb, GRCh38 coordinates, 1-based), cytogenetic band 15q23.
Identifiers: ClinVar variation 146413 (VCV000146413.2).